The following is an entry in ClinVar:

NM_006493.4(CLN5):c.704T>C (p.Val235Ala)

Gene: CLN5 (CLN5 lysosomal BMP synthase; plus strand). Cytogenetic location: 13q22.3.
Variant type: single nucleotide variant.
Coding change: c.704T>C on transcript NM_006493.4 (MANE Select); coding-DNA position 704, T replaced by C.
Protein change: p.Val235Ala; replaces valine 235 with alanine.
Molecular consequence: missense variant. On other transcripts: 3 prime UTR variant (1).
Genome position (GRCh38, 1-based): chr13:77,000,596, T>C. VCF-style: chr13-77000596-T-C. GRCh37 (hg19) VCF-style: chr13-77574731-T-C.
Other names: c.*153T>C (NM_001366624.2); c.851T>C (LRG_692t1); short protein forms V235A.
Identifiers: ClinVar variation 457968 (VCV000457968.10), dbSNP rs535755345, ClinGen allele CA7007247.

ClinVar aggregate classification (germline): Uncertain significance. Review status: criteria provided, single submitter (1 of 4 stars). 2 submissions from 2 submitters: Uncertain significance (1). 1 of the submissions does not count toward it. Last evaluated 2023-08-04.

Conditions:
Neuronal ceroid lipofuscinosis. Also called: Neuronal Ceroid Lipofuscinoses. Identifiers: Orphanet 216, Orphanet 79263, MedGen C0027877, MONDO:0016295. Disease mechanism: loss of function.
Neuronal ceroid lipofuscinosis 5 (CLN5). Also called: CLN5-Related Neuronal Ceroid-Lipofuscinosis; CEROID LIPOFUSCINOSIS, NEURONAL, 5, VARIABLE AGE AT ONSET; Neuronal ceroid lipofuscinosis Finnish variant; NEURONAL CEROID LIPOFUSCINOSIS, LATE INFANTILE, FINNISH VARIANT. Identifiers: Orphanet 168491, Orphanet 228360, MedGen C1850442, MONDO:0009745, OMIM 256731.

Allele frequency attached by ClinVar (database versions not stated): gnomAD exomes below 0.00001; TOPMed below 0.00001; ExAC 0.00001; gnomAD 0.00001; 1000 Genomes Project 30x 0.00016; 1000 Genomes Project 0.00020.
gnomAD v4.1: 2 of 1,614,138 alleles (0.00012%); highest among the groups gnomAD compares: Admixed American, 0.0033%; no homozygotes.

Submissions (2):

Labcorp Genetics (formerly Invitae), Labcorp
Classification: Uncertain significance for Neuronal ceroid lipofuscinosis. Last evaluated: 2023-08-04. Review status: criteria provided, single submitter. Criteria: Invitae Variant Classification Sherloc (09022015). Collection method: clinical testing. Allele origin: germline.
Comment: In summary, the available evidence is currently insufficient to determine the role of this variant in disease. Therefore, it has been classified as a Variant of Uncertain Significance. Advanced modeling of protein sequence and biophysical properties (such as structural, functional, and spatial information, amino acid conservation, physicochemical variation, residue mobility, and thermodynamic stability) has been performed at Invitae for this missense variant, however the output from this modeling did not meet the statistical confidence thresholds required to predict the impact of this variant on CLN5 protein function. ClinVar contains an entry for this variant (Variation ID: 457968). This variant has not been reported in the literature in individuals affected with CLN5-related conditions. This variant is present in population databases (rs535755345, gnomAD 0.003%). This sequence change replaces valine, which is neutral and non-polar, with alanine, which is neutral and non-polar, at codon 284 of the CLN5 protein (p.Val284Ala).

Natera, Inc.
Classification: Uncertain significance for Neuronal ceroid lipofuscinosis 5. Last evaluated: 2020-09-16. Review status: no assertion criteria provided. Collection method: clinical testing. Allele origin: germline. Not counted in ClinVar's aggregate classification.